The following is an entry in ClinVar:

ClinVar aggregate classification (germline): Likely pathogenic. Review status: criteria provided, multiple submitters, no conflicts (2 of 4 stars). 2 submissions from 2 submitters: Likely pathogenic (2). Last evaluated 2025-05-22.

Conditions:
Hereditary spherocytosis type 1. Also called: Spherocytosis type 1; ANK1-Related Spherocytosis. Identifiers: Orphanet 822, MedGen C2674218, MONDO:0008447, OMIM 182900.

Submissions (2):

Labcorp Genetics (formerly Invitae), Labcorp
Classification: Likely pathogenic. Last evaluated: 2025-05-22. Review status: criteria provided, single submitter. Criteria: Invitae Variant Classification Sherloc (09022015). Collection method: clinical testing. Allele origin: germline.
Comment: This sequence change affects a donor splice site in intron 8 of the ANK1 gene. It is expected to disrupt RNA splicing. Variants that disrupt the donor or acceptor splice site typically lead to a loss of protein function (PMID: 16199547), and loss-of-function variants in ANK1 are known to be pathogenic (PMID: 8640229). This variant is not present in population databases (gnomAD no frequency). Disruption of this splice site has been observed in individual(s) with hereditary spherocytosis (PMID: 26830532). ClinVar contains an entry for this variant (Variation ID: 2690540). Algorithms developed to predict the effect of sequence changes on RNA splicing suggest that this variant may disrupt the consensus splice site. In summary, the currently available evidence indicates that the variant is pathogenic, but additional data are needed to prove that conclusively. Therefore, this variant has been classified as Likely Pathogenic.

Revvity Omics, Revvity
Classification: Likely pathogenic for Hereditary spherocytosis type 1. Last evaluated: 2024-07-03. Review status: criteria provided, single submitter. Criteria: ACMG Guidelines, 2015. Collection method: clinical testing. Allele origin: germline.

Literature cited by the submitters: PubMed 16199547 (cited by Labcorp Genetics (formerly Invitae), Labcorp); PubMed 8640229 (cited by Labcorp Genetics (formerly Invitae), Labcorp); PubMed 26830532 (cited by Labcorp Genetics (formerly Invitae), Labcorp).

NM_000037.4(ANK1):c.810+1G>A

Gene: ANK1 (ankyrin 1; minus strand). Cytogenetic location: 8p11.21.
Variant type: single nucleotide variant.
Coding change: c.810+1G>A on transcript NM_000037.4 (MANE Select); the canonical splice donor site of the intron after coding-DNA position 810, G replaced by A.
Molecular consequence: splice donor variant.
Genome position (GRCh38, 1-based): chr8:41,723,534, C>T on the plus strand (G>A on the coding strand, the complement: ANK1 is on the minus strand). VCF-style: chr8-41723534-C-T. GRCh37 (hg19) VCF-style: chr8-41581052-C-T.
Other names: c.909+1G>A (NM_001142446.2); c.810+1G>A (NM_020477.3, NM_020475.3, NM_020476.3).
Identifiers: ClinVar variation 2690540 (VCV002690540.4), dbSNP rs867073059, ClinGen allele CA175915637.